The following is an entry in ClinVar:

ClinVar aggregate classification (germline): Uncertain significance (1 of 4 stars; one submission).

Conditions:
Hereditary cancer-predisposing syndrome. Also called: Neoplastic Syndromes, Hereditary; Tumor predisposition; Hereditary neoplastic syndrome; Hereditary Cancer Syndrome. Identifiers: Orphanet 140162, MedGen C0027672, MeSH D009386, MONDO:0015356.

Submission:

Ambry Genetics
Classification: Uncertain significance for Hereditary cancer-predisposing syndrome. Last evaluated: 2024-05-24. Review status: criteria provided, single submitter. Criteria: Ambry Variant Classification Scheme 2023. Collection method: clinical testing. Allele origin: germline.
Comment: The c.597+2T>G intronic variant results from a T to G substitution two nucleotides after coding exon 4 in the SUFU gene. This nucleotide position is highly conserved in available vertebrate species. In silico splice site analysis predicts that this alteration will weaken the native splice donor site and will result in the creation or strengthening of a novel splice donor site. RNA studies have demonstrated that this alteration results in a splice defect; the clinical impact of this abnormal splicing is unknown at this time (Ambry internal data). Based on the available evidence, the clinical significance of this variant remains unclear.

NM_016169.4(SUFU):c.597+2T>G

Gene: SUFU (SUFU negative regulator of hedgehog signaling; plus strand). Cytogenetic location: 10q24.32.
Variant type: single nucleotide variant.
Coding change: c.597+2T>G on transcript NM_016169.4 (MANE Select); the canonical splice donor site of the intron after coding-DNA position 597, T replaced by G.
Molecular consequence: splice donor variant.
Genome position (GRCh38, 1-based): chr10:102,592,726, T>G. VCF-style: chr10-102592726-T-G. GRCh37 (hg19) VCF-style: chr10-104352483-T-G.
Other names: c.597+2T>G (NM_001178133.2).
Identifiers: ClinVar variation 3323551 (VCV003323551.1).
Genomic context (GRCh38, chr10:102,592,726, plus strand): 5'-CAGAGGACCCACAGATGCAGCCCGTGCAGACACCCTTTGGGGTAGTTACCTTCCTCCAGG[T>G]GAGGCACAGGTTGGACGCTGGCTCAAGCCTTCCTGTGGGAAGGGTCCTGGGAGGACAAGG-3'